The following is an entry in ClinVar:

ClinVar aggregate classification (germline): Uncertain significance (1 of 4 stars; one submission).

Allele frequency attached by ClinVar (database versions not stated): gnomAD 0.00001.

Submission:

GeneDx
Classification: Uncertain significance. Last evaluated: 2022-01-07. Review status: criteria provided, single submitter. Criteria: GeneDx Variant Classification Process June 2021. Collection method: clinical testing. Allele origin: germline. Affected: yes.
Comment: Not observed at significant frequency in large population cohorts (gnomAD); Frameshift variant predicted to result in protein truncation or nonsense mediated decay in a gene for which loss-of-function is not a known mechanism of disease; Has not been previously published as pathogenic or benign to our knowledge

NM_000234.3(LIG1):c.671_672insG (p.Pro225fs)

Gene: LIG1 (DNA ligase 1; minus strand). Cytogenetic location: 19q13.33.
Variant type: Insertion.
Coding change: c.671_672insG on transcript NM_000234.3 (MANE Select); coding-DNA positions 671 to 672, G inserted.
Protein change: p.Pro225fs; shifts the reading frame from proline 225.
Molecular consequence: frameshift variant. On other transcripts: non-coding transcript variant (6).
Genome position: GRCh38 VCF-style: chr19-48150113-A-AC. GRCh37 (hg19) VCF-style: chr19-48653370-A-AC.
Other names: c.578_579insG, p.Pro194fs (NM_001289063.2); c.467_468insG, p.Pro157fs (NM_001289064.2); c.668_669insG, p.Pro224fs (NM_001320970.2); c.581_582insG, p.Pro195fs (NM_001320971.2); short protein forms P157fs, P194fs, P195fs, P224fs, P225fs.
Identifiers: ClinVar variation 1326793 (VCV001326793.3), dbSNP rs2035373880, ClinGen allele CA996528704.